The following is an entry in ClinVar:

ClinVar aggregate classification (germline): Uncertain significance (1 of 4 stars; one submission).

Conditions:
Ataxia-telangiectasia syndrome (AT). Also called: Ataxia-telangiectasia, complementation group D; AT, COMPLEMENTATION GROUP C; Ataxia-telangiectasia; Ataxia telangiectasia (A-T); LOUIS-BAR SYNDROME; Cerebello-oculocutaneous telangiectasia. Identifiers: Orphanet 100, MedGen C0004135, MONDO:0008840, OMIM 208900.

Submission:

Labcorp Genetics (formerly Invitae), Labcorp
Classification: Uncertain significance for Ataxia-telangiectasia syndrome. Last evaluated: 2026-01-04. Review status: criteria provided, single submitter. Criteria: Invitae Variant Classification Sherloc (09022015). Collection method: clinical testing. Allele origin: germline.
Comment: This sequence change replaces lysine, which is basic and polar, with asparagine, which is neutral and polar, at codon 902 of the ATM protein (p.Lys902Asn). This variant is not present in population databases (gnomAD no frequency). This variant has not been reported in the literature in individuals affected with ATM-related conditions. Invitae Evidence Modeling of protein sequence and biophysical properties (such as structural, functional, and spatial information, amino acid conservation, physicochemical variation, residue mobility, and thermodynamic stability) indicates that this missense variant is not expected to disrupt ATM protein function with a negative predictive value of 95%. In summary, the available evidence is currently insufficient to determine the role of this variant in disease. Therefore, it has been classified as a Variant of Uncertain Significance.

NM_000051.4(ATM):c.2706G>C (p.Lys902Asn)

Gene: ATM (ATM serine/threonine kinase; plus strand). Cytogenetic location: 11q22.3.
Variant type: single nucleotide variant.
Coding change: c.2706G>C on transcript NM_000051.4 (MANE Select); coding-DNA position 2706, G replaced by C.
Protein change: p.Lys902Asn; replaces lysine 902 with asparagine.
Molecular consequence: missense variant.
Genome position (GRCh38, 1-based): chr11:108,268,477, G>C. VCF-style: chr11-108268477-G-C. GRCh37 (hg19) VCF-style: chr11-108139204-G-C.
Other names: c.2706G>C, p.Lys902Asn (NM_001351834.2); short protein forms K902N.
Identifiers: ClinVar variation 4747189 (VCV004747189.1).